The following is an entry in ClinVar:

NM_015570.4(AUTS2):c.3620T>C (p.Leu1207Pro)

Gene: AUTS2 (activator of transcription and developmental regulator AUTS2; plus strand). Cytogenetic location: 7q11.22.
Variant type: single nucleotide variant.
Coding change: c.3620T>C on transcript NM_015570.4 (MANE Select); coding-DNA position 3620, T replaced by C.
Protein change: p.Leu1207Pro; replaces leucine 1207 with proline.
Molecular consequence: missense variant.
Genome position (GRCh38, 1-based): chr7:70,790,836, T>C. VCF-style: chr7-70790836-T-C. GRCh37 (hg19) VCF-style: chr7-70255822-T-C.
Other names: c.3548T>C, p.Leu1183Pro (NM_001127231.3); c.3620T>C (NM_015570.3); short protein forms L1207P, L1183P.
Identifiers: ClinVar variation 521810 (VCV000521810.5), dbSNP rs1554489424, ClinGen allele CA367666581.

ClinVar aggregate classification (germline): Uncertain significance. Review status: criteria provided, single submitter (1 of 4 stars). 2 submissions from 2 submitters: Uncertain significance (1). 1 of the submissions does not count toward it. Last evaluated 2017-05-22.

Conditions:
Inborn genetic diseases. Identifiers: MedGen C0950123, MeSH D030342.
AUTS2-related disorder. Also called: AUTS2-related condition.

Allele frequency attached by ClinVar (database versions not stated): gnomAD exomes below 0.00001; TOPMed below 0.00001.
gnomAD v4.1: 3 of 1,606,290 alleles (0.00019%); highest among the groups gnomAD compares: Non-Finnish European, 0.00017%; no homozygotes.

Submissions (2):

Ambry Genetics
Classification: Uncertain significance for Inborn genetic diseases. Last evaluated: 2017-05-22. Review status: criteria provided, single submitter. Criteria: Ambry exome assertion method (8-5-2015). Collection method: clinical testing. Allele origin: germline. Affected: yes. Observed: 1 variant allele.

PreventionGenetics, part of Exact Sciences
Classification: Uncertain significance for AUTS2-related condition. Last evaluated: 2024-05-02. Review status: no assertion criteria provided. Collection method: clinical testing. Allele origin: germline. Not counted in ClinVar's aggregate classification.
Comment: The AUTS2 c.3620T>C variant is predicted to result in the amino acid substitution p.Leu1207Pro. To our knowledge, this variant has not been reported in the literature or in gnomAD, indicating this variant is rare. At this time, the clinical significance of this variant is uncertain due to the absence of conclusive functional and genetic evidence.